The following is an entry in ClinVar:

ClinVar aggregate classification (germline): Uncertain significance (1 of 4 stars; one submission).

Submission:

Women's Health and Genetics/Laboratory Corporation of America, LabCorp
Classification: Uncertain significance. Last evaluated: 2026-01-13. Review status: criteria provided, single submitter. Criteria: LabCorp Variant Classification Summary - May 2015. Collection method: clinical testing. Allele origin: germline.
Comment: Variant summary: The variant involves the duplication of exons 1-4 in the EIF2B1 gene. A presumed nomenclature of c.(?_-130)_(369+1_370-1)dup has been designated for the purposes of this classification. The exact breakpoint at the 5' end of this variant is unknown, therefore this duplication may extend upstream of the annotated region of this gene. It is predicted to duplicate a segment including the initiation codon, therefore its impact on the encoded protein is unknown. The variant was absent in 21694 control chromosomes. The available data on variant occurrences in the general population are insufficient to allow any conclusion about variant significance. To our knowledge, no occurrence of c.(?_-130)_(369+1_370-1)dup in individuals affected with EIF2B1-related conditions and no experimental evidence demonstrating its impact on protein function have been reported. No submitters have cited clinical-significance assessments for this variant to ClinVar. Based on the evidence outlined above, the variant was classified as uncertain significance.

NC_000012.11:g.(124111704_124114715)_(124118234_?)dup

Gene: EIF2B1 (eukaryotic translation initiation factor 2B subunit alpha; minus strand). Cytogenetic location: 12q24.31.
Variant type: Duplication.
Identifiers: ClinVar variation 4689421 (VCV004689421.1).